The following is an entry in ClinVar:

NM_005051.3(QARS1):c.421C>T (p.Arg141Cys)

Gene: QARS1 (glutaminyl-tRNA synthetase 1; minus strand). Cytogenetic location: 3p21.31.
Variant type: single nucleotide variant.
Coding change: c.421C>T on transcript NM_005051.3 (MANE Select); coding-DNA position 421, C replaced by T.
Protein change: p.Arg141Cys; replaces arginine 141 with cysteine.
Molecular consequence: missense variant. On other transcripts: non-coding transcript variant (1).
Genome position (GRCh38, 1-based): chr3:49,103,661, G>A on the plus strand (C>T on the coding strand, the complement: QARS1 is on the minus strand). VCF-style: chr3-49103661-G-A. GRCh37 (hg19) VCF-style: chr3-49141094-G-A.
Other names: c.388C>T, p.Arg130Cys (NM_001272073.2); short protein forms R130C, R141C.
Identifiers: ClinVar variation 1512914 (VCV001512914.6), dbSNP rs765585957, ClinGen allele CA2392174.
Genomic context (GRCh38, chr3:49,103,661, plus strand): 5'-CAATATAGCCCCGTTCCAGGCCCTGCTCACCCATCAGCAGCCCCATGTTGAAATGGTAAC[G>A]TTCCACCAGGAGCTGGGGCCGGTGCCTGTTAATAGCAGCCTCCACCTGCAGAAAGCCAAA-3'
Protein context (NP_005042.1, residues 131-151): NRHRPQLLVE[Arg141Cys]YHFNMGLLMG

ClinVar aggregate classification (germline): Uncertain significance (1 of 4 stars; one submission).

Conditions:
Diffuse cerebral and cerebellar atrophy - intractable seizures - progressive microcephaly syndrome. Also called: Microcephaly, progressive, with seizures and cerebral and cerebellar atrophy. Identifiers: Orphanet 404437, MedGen C4014239, MONDO:0014335, OMIM 615760.

Allele frequency attached by ClinVar (database versions not stated): ExAC 0.00001; gnomAD 0.00001; gnomAD exomes 0.00001; TOPMed 0.00001.

Submission:

Labcorp Genetics (formerly Invitae), Labcorp
Classification: Uncertain significance for Diffuse cerebral and cerebellar atrophy - intractable seizures - progressive microcephaly syndrome. Last evaluated: 2021-12-02. Review status: criteria provided, single submitter. Criteria: Invitae Variant Classification Sherloc (09022015). Collection method: clinical testing. Allele origin: germline.
Comment: In summary, the available evidence is currently insufficient to determine the role of this variant in disease. Therefore, it has been classified as a Variant of Uncertain Significance. Algorithms developed to predict the effect of missense changes on protein structure and function are either unavailable or do not agree on the potential impact of this missense change (SIFT: "Deleterious"; PolyPhen-2: "Probably Damaging"; Align-GVGD: "Class C0"). This variant has not been reported in the literature in individuals affected with QARS-related conditions. This variant is present in population databases (rs765585957, gnomAD 0.004%). This sequence change replaces arginine, which is basic and polar, with cysteine, which is neutral and slightly polar, at codon 141 of the QARS protein (p.Arg141Cys).